The following is an entry in ClinVar:

NM_001244008.2(KIF1A):c.2721GGA[6] (p.Glu913_Glu917del)

Gene: KIF1A (kinesin family member 1A; minus strand). Cytogenetic location: 2q37.3.
Variant type: Microsatellite.
Coding change: c.2721GGA[6] on transcript NM_001244008.2 (MANE Select); six copies in a row of the 3-base unit GGA starting at c.2721; the reference has 11 copies in a row; five copies, 15 bases deleted.
Protein change: p.Glu913_Glu917del.
Molecular consequence: inframe deletion. On other transcripts: inframe indel (2), intron variant (18).
Genome position (GRCh38, 1-based): chr2:240,757,424-240,757,438, TCCTCCTCCTCCTCC deleted on the plus strand (GGAGGAGGAGGAGGA on the coding strand, the reverse complement: KIF1A is on the minus strand); deleting any 15 consecutive bases within chr2:240,757,424-240,757,456 gives the same sequence; the position shown is the placement nearest the transcript's 3' end. VCF-style (leftmost placement, unchanged base first): chr2-240757423-ATCCTCCTCCTCCTCC-A. GRCh37 (hg19) VCF-style: chr2-241696840-ATCCTCCTCCTCCTCC-A.
Other names: c.2721_2723GGA[6], p.Glu913_Glu917del (NM_001244008.1); c.2796GGA[6], p.Glu938_Glu942del (NM_001379631.1); c.2670GGA[6], p.Glu896_Glu900del (NM_001379632.1); c.2694GGA[6], p.Glu904_Glu908del (NM_001379633.1, NM_001379642.1, NM_001379645.1); c.2555+904GGA[6] (NM_001379653.1, NM_001379650.1, NM_001379640.1 and 6 more transcripts); c.2657+904GGA[6] (NM_001379635.1, NM_001330290.2, NM_001379646.1 and 1 more transcripts); c.2630+904GGA[6] (NM_001379637.1, NM_001379648.1); c.2582+904GGA[6] (NM_001320705.2, NM_001379638.1, NM_001330289.2); and 1 more.
Identifiers: ClinVar variation 4987996 (VCV004987996.1).

ClinVar aggregate classification (germline): Uncertain significance (1 of 4 stars; one submission).

Conditions:
KIF1A-related disorder. Also called: KIF1A-related disorders; KIF1A-related condition.

Submission:

PreventionGenetics, part of Exact Sciences
Classification: Uncertain significance for KIF1A-related condition. Last evaluated: 2024-11-11. Review status: criteria provided, single submitter. Criteria: ACMG Guidelines, 2015. Collection method: clinical testing. Allele origin: germline.
Comment: The KIF1A c.2739_2753del15 variant is predicted to result in an in-frame deletion (p.Glu913_Glu917del). To our knowledge, this variant has not been reported in the literature or in a large population database (gnomAD), indicating this variant is rare. At this time, the clinical significance of this variant is uncertain due to the absence of conclusive functional and genetic evidence.